The following is an entry in ClinVar:

NM_001032283.3(TMPO):c.565+1161A>G

Gene: TMPO (thymopoietin; plus strand). Cytogenetic location: 12q23.1.
Variant type: single nucleotide variant.
Coding change: c.565+1161A>G on transcript NM_001032283.3 (MANE Select); 1161 bases into the intron after coding-DNA position 565, A replaced by G.
Molecular consequence: intron variant. On other transcripts: missense variant (1).
Genome position (GRCh38, 1-based): chr12:98,532,999, A>G. VCF-style: chr12-98532999-A-G. GRCh37 (hg19) VCF-style: chr12-98926777-A-G.
Other names: c.742A>G, p.Lys248Glu (NM_003276.2); c.565+1161A>G (NM_001307975.2, NM_001032284.3); short protein forms K248E.
Identifiers: ClinVar variation 1393071 (VCV001393071.8), dbSNP rs2121202826, ClinGen allele CA386151713.

ClinVar aggregate classification (germline): Uncertain significance (1 of 4 stars; one submission).

Conditions:
Loeys-Dietz syndrome 2 (LDS2). Also called: TGFBR2-Related Loeys-Dietz Syndrome; Marfan Syndrome type 2; Marfan like connective tissue disorder; MFS 2; AORTIC ANEURYSM, FAMILIAL THORACIC 3; MARFAN SYNDROME, TYPE II. Identifiers: Orphanet 284973, Orphanet 558, MedGen C2674574, MONDO:0012427, OMIM 610168.

Submission:

Labcorp Genetics (formerly Invitae), Labcorp
Classification: Uncertain significance for Loeys-Dietz syndrome 2. Last evaluated: 2022-10-13. Review status: criteria provided, single submitter. Criteria: Invitae Variant Classification Sherloc (09022015). Collection method: clinical testing. Allele origin: germline.
Comment: This sequence change replaces lysine, which is basic and polar, with glutamic acid, which is acidic and polar, at codon 248 of the TMPO protein (p.Lys248Glu). In summary, the available evidence is currently insufficient to determine the role of this variant in disease. Therefore, it has been classified as a Variant of Uncertain Significance. Advanced modeling of protein sequence and biophysical properties (such as structural, functional, and spatial information, amino acid conservation, physicochemical variation, residue mobility, and thermodynamic stability) performed at Invitae indicates that this missense variant is not expected to disrupt TMPO protein function. ClinVar contains an entry for this variant (Variation ID: 1393071). This variant has not been reported in the literature in individuals affected with TMPO-related conditions. This variant is not present in population databases (gnomAD no frequency).